The following is an entry in ClinVar:

NM_001370658.1(BTD):c.490C>T (p.Pro164Ser)

Gene: BTD (biotinidase; plus strand). Cytogenetic location: 3p25.1.
Variant type: single nucleotide variant.
Coding change: c.490C>T on transcript NM_001370658.1 (MANE Select); coding-DNA position 490, C replaced by T.
Protein change: p.Pro164Ser; replaces proline 164 with serine.
Molecular consequence: missense variant. On other transcripts: intron variant (1).
Genome position (GRCh38, 1-based): chr3:15,644,406, C>T. VCF-style: chr3-15644406-C-T. GRCh37 (hg19) VCF-style: chr3-15685913-C-T.
Other names: c.490C>T, p.Pro164Ser (NM_001407364.1, NM_001407365.1, NM_001407366.1 and 18 more transcripts); c.399+2349C>T (NM_001370753.1); c.550C>T, p.Pro184Ser (NM_000060.4); short protein forms P164S, P184S.
Identifiers: ClinVar variation 2174355 (VCV002174355.1), dbSNP rs2471509910, ClinGen allele CA351606338.

ClinVar aggregate classification (germline): Uncertain significance (1 of 4 stars; one submission).

Conditions:
Biotinidase deficiency. Also called: BTD deficiency; Late-onset biotin-responsive multiple carboxylase deficiency; Biotin deficiency. Identifiers: Orphanet 79241, MedGen C0220754, MONDO:0009665, OMIM 253260.

Submission:

Labcorp Genetics (formerly Invitae), Labcorp
Classification: Uncertain significance for Biotinidase deficiency. Last evaluated: 2022-05-27. Review status: criteria provided, single submitter. Criteria: Invitae Variant Classification Sherloc (09022015). Collection method: clinical testing. Allele origin: germline.
Comment: This sequence change replaces proline, which is neutral and non-polar, with serine, which is neutral and polar, at codon 184 of the BTD protein (p.Pro184Ser). This variant is not present in population databases (gnomAD no frequency). This variant has not been reported in the literature in individuals affected with BTD-related conditions. Algorithms developed to predict the effect of missense changes on protein structure and function (SIFT, PolyPhen-2, Align-GVGD) all suggest that this variant is likely to be tolerated. In summary, the available evidence is currently insufficient to determine the role of this variant in disease. Therefore, it has been classified as a Variant of Uncertain Significance.